The following is an entry in ClinVar:

ClinVar aggregate classification (germline): Pathogenic (1 of 4 stars; one submission).

Allele frequency attached by ClinVar (database versions not stated): gnomAD exomes below 0.00001; TOPMed below 0.00001; gnomAD 0.00001.

Submission:

Labcorp Genetics (formerly Invitae), Labcorp
Classification: Pathogenic. Last evaluated: 2022-03-04. Review status: criteria provided, single submitter. Criteria: Invitae Variant Classification Sherloc (09022015). Collection method: clinical testing. Allele origin: germline.
Comment: For these reasons, this variant has been classified as Pathogenic. This premature translational stop signal has been observed in individual(s) with Usher syndrome (PMID: 25404053, 30459346). This variant is present in population databases (no rsID available, gnomAD 0.006%). This sequence change creates a premature translational stop signal (p.Arg269*) in the USH1G gene. It is expected to result in an absent or disrupted protein product. Loss-of-function variants in USH1G are known to be pathogenic (PMID: 12588794, 22219650).

Literature cited by the submitters: PubMed 25404053; PubMed 30459346; PubMed 12588794; PubMed 22219650.

NM_173477.5(USH1G):c.805C>T (p.Arg269Ter)

Gene: USH1G (USH1 protein network component sans; minus strand). Cytogenetic location: 17q25.1.
Variant type: single nucleotide variant.
Coding change: c.805C>T on transcript NM_173477.5 (MANE Select); coding-DNA position 805, C replaced by T.
Protein change: p.Arg269Ter; replaces arginine 269 with a stop codon.
Molecular consequence: nonsense.
Genome position (GRCh38, 1-based): chr17:74,920,031, G>A on the plus strand (C>T on the coding strand, the complement: USH1G is on the minus strand). VCF-style: chr17-74920031-G-A. GRCh37 (hg19) VCF-style: chr17-72916126-G-A.
Other names: c.496C>T, p.Arg166Ter (NM_001282489.3); short protein forms R166*, R269*.
Identifiers: ClinVar variation 2138104 (VCV002138104.4), dbSNP rs1329606728, ClinGen allele CA400963187.
Genomic context (GRCh38, chr17:74,920,031, plus strand): 5'-CCAGCGTGGCACGGGAGACGCTGTCCTCGTCCGAGAGGAACATGTCCCGGAGCGGGGCTC[G>A]GCCCCACTCCTTGGGATTGGCGTAGGTGCCCTGGCGCACGAACATCACGTCGCTGCCCAG-3'